The following is an entry in ClinVar:

ClinVar aggregate classification (germline): Uncertain significance (1 of 4 stars; one submission).

Submission:

Labcorp Genetics (formerly Invitae), Labcorp
Classification: Uncertain significance. Last evaluated: 2022-07-21. Review status: criteria provided, single submitter. Criteria: Invitae Variant Classification Sherloc (09022015). Collection method: clinical testing. Allele origin: germline.
Comment: This sequence change replaces glycine, which is neutral and non-polar, with valine, which is neutral and non-polar, at codon 139 of the TWNK protein (p.Gly139Val). This variant is not present in population databases (gnomAD no frequency). In summary, the available evidence is currently insufficient to determine the role of this variant in disease. Therefore, it has been classified as a Variant of Uncertain Significance. Advanced modeling of protein sequence and biophysical properties (such as structural, functional, and spatial information, amino acid conservation, physicochemical variation, residue mobility, and thermodynamic stability) performed at Invitae indicates that this missense variant is not expected to disrupt TWNK protein function. This variant has not been reported in the literature in individuals affected with TWNK-related conditions.

NM_021830.5(TWNK):c.416G>T (p.Gly139Val)

Gene: TWNK (twinkle mtDNA helicase; plus strand). Cytogenetic location: 10q24.31.
Variant type: single nucleotide variant.
Coding change: c.416G>T on transcript NM_021830.5 (MANE Select); coding-DNA position 416, G replaced by T.
Protein change: p.Gly139Val; replaces glycine 139 with valine.
Molecular consequence: missense variant. On other transcripts: non-coding transcript variant (4), intron variant (3).
Genome position (GRCh38, 1-based): chr10:100,988,626, G>T. VCF-style: chr10-100988626-G-T. GRCh37 (hg19) VCF-style: chr10-102748383-G-T.
Other names: c.416G>T, p.Gly139Val (NM_001163812.2); c.-120+1013G>T (NM_001163814.2, NM_001163813.2); c.-58+1013G>T (NM_001368275.1); short protein forms G139V.
Identifiers: ClinVar variation 2014193 (VCV002014193.4), dbSNP rs1408088932, ClinGen allele CA378207325.